The following is an entry in ClinVar:

NM_001491.3(GCNT2):c.722A>G (p.Tyr241Cys)

Gene: GCNT2 (glucosaminyl (N-acetyl) transferase 2 (I blood group); plus strand). Cytogenetic location: 6p24.3.
Variant type: single nucleotide variant.
Coding change: c.722A>G on transcript NM_001491.3 (MANE Plus Clinical); coding-DNA position 722, A replaced by G.
Protein change: p.Tyr241Cys; replaces tyrosine 241 with cysteine.
Molecular consequence: missense variant. On other transcripts: intron variant (2).
Genome position (GRCh38, 1-based): chr6:10,557,145, A>G. VCF-style: chr6-10557145-A-G. GRCh37 (hg19) VCF-style: chr6-10557378-A-G.
Other names: c.925+27309A>G (NM_145649.5, NM_001374747.1); short protein forms Y241C.
Identifiers: ClinVar variation 1020672 (VCV001020672.9), dbSNP rs200427106, ClinGen allele CA3632064.

ClinVar aggregate classification (germline): Uncertain significance (1 of 4 stars; one submission).

Conditions:
Cataract 13 with adult I phenotype. Identifiers: Orphanet 91492, MedGen C3805373, MONDO:0007289, OMIM 116700.

Allele frequency attached by ClinVar (database versions not stated): TOPMed 0.00002; gnomAD 0.00004; gnomAD exomes 0.00004 and 0.00011; 1000 Genomes Project 30x 0.00016; ExAC 0.00017; 1000 Genomes Project 0.00020.
gnomAD v4.1: 67 of 1,550,690 alleles (0.0043%); highest among the groups gnomAD compares: South Asian, 0.0013%; no homozygotes.

Submission:

Labcorp Genetics (formerly Invitae), Labcorp
Classification: Uncertain significance for Cataract 13 with adult I phenotype. Last evaluated: 2020-04-03. Review status: criteria provided, single submitter. Criteria: Invitae Variant Classification Sherloc (09022015). Collection method: clinical testing. Allele origin: germline.
Comment: This sequence change replaces tyrosine with cysteine at codon 241 of the GCNT2 protein (p.Tyr241Cys). The tyrosine residue is moderately conserved and there is a large physicochemical difference between tyrosine and cysteine. This variant is present in population databases (rs200427106, ExAC 0.1%). In summary, the available evidence is currently insufficient to determine the role of this variant in disease. Therefore, it has been classified as a Variant of Uncertain Significance. Algorithms developed to predict the effect of missense changes on protein structure and function are either unavailable or do not agree on the potential impact of this missense change (SIFT: "Tolerated"; PolyPhen-2: "Possibly Damaging"; Align-GVGD: "Class C15"). This variant has not been reported in the literature in individuals with GCNT2-related conditions.